The following is an entry in ClinVar:

ClinVar aggregate classification (germline): Uncertain significance (1 of 4 stars; one submission).

Conditions:
Weaver syndrome (WVS). Also called: Weaver Smith syndrome; Overgrowth syndrome with accelerated skeletal maturation, unusual facies, and camptodactyly. Identifiers: Orphanet 3447, MedGen C0265210, MONDO:0010193, OMIM 277590.

Submission:

Labcorp Genetics (formerly Invitae), Labcorp
Classification: Uncertain significance for Weaver syndrome. Last evaluated: 2024-01-08. Review status: criteria provided, single submitter. Criteria: Invitae Variant Classification Sherloc (09022015). Collection method: clinical testing. Allele origin: unknown.
Comment: A copy number gain of the genomic region encompassing the full coding sequence of the EZH2 gene has been identified. The boundaries of this event are unknown as they extend beyond the assayed region for this gene and therefore may encompass additional genes. As the precise location of this event is unknown, it may be in tandem or it may be located elsewhere in the genome. This variant has not been reported in the literature in individuals affected with EZH2-related conditions. In summary, the available evidence is currently insufficient to determine the role of this variant in disease. Therefore, it has been classified as a Variant of Uncertain Significance.

NC_000007.13:g.(?_147259210)_(148544390_?)dup

Genes: EZH2 (enhancer of zeste 2 polycomb repressive complex 2 subunit; minus strand), C7orf33 (chromosome 7 open reading frame 33; plus strand), CNTNAP2 (contactin associated protein 2; plus strand), CUL1 (cullin 1; plus strand). Cytogenetic location: 7q35-36.1.
Variant type: Duplication.
Identifiers: ClinVar variation 3245716 (VCV003245716.1).